The following is an entry in ClinVar:

ClinVar aggregate classification (germline): Uncertain significance (1 of 4 stars; one submission).

Conditions:
Familial thoracic aortic aneurysm and aortic dissection (TAAD). Also called: Thoracic aortic aneurysms and dissections. Identifiers: Orphanet 91387, MedGen C4707243, MONDO:0019625.

gnomAD v4.1: 1 of 1,613,866 alleles (0.000062%); highest among the groups gnomAD compares: South Asian, 0.0011%; no homozygotes.

Submission:

Ambry Genetics
Classification: Uncertain significance for Familial thoracic aortic aneurysm and aortic dissection. Last evaluated: 2026-07-26. Review status: criteria provided, single submitter. Criteria: Ambry Variant Classification Scheme 2023. Collection method: clinical testing. Allele origin: germline.
Comment: The p.P966L variant (also known as c.2897C>T), located in coding exon 36 of the COL5A1 gene, results from a C to T substitution at nucleotide position 2897. The proline at codon 966 is replaced by leucine, an amino acid with similar properties. This amino acid position is conserved. In addition, this alteration is predicted to be tolerated by in silico analysis. Based on the available evidence, the clinical significance of this variant remains unclear.

NM_000093.5(COL5A1):c.2897C>T (p.Pro966Leu)

Gene: COL5A1 (collagen type V alpha 1 chain; plus strand). Cytogenetic location: 9q34.3.
Variant type: single nucleotide variant.
Coding change: c.2897C>T on transcript NM_000093.5 (MANE Select); coding-DNA position 2897, C replaced by T.
Protein change: p.Pro966Leu; replaces proline 966 with leucine.
Molecular consequence: missense variant.
Genome position (GRCh38, 1-based): chr9:134,796,900, C>T. VCF-style: chr9-134796900-C-T. GRCh37 (hg19) VCF-style: chr9-137688746-C-T.
Other names: c.2897C>T, p.Pro966Leu (NM_001278074.1); short protein forms P966L.
Identifiers: ClinVar variation 5034817 (VCV005034817.1).